The following is an entry in ClinVar:

ClinVar aggregate classification (germline): Uncertain significance (1 of 4 stars; one submission).

Allele frequency attached by ClinVar (database versions not stated): gnomAD 0.00002; TOPMed 0.00002.

Submission:

Labcorp Genetics (formerly Invitae), Labcorp
Classification: Uncertain significance. Last evaluated: 2022-12-07. Review status: criteria provided, single submitter. Criteria: Invitae Variant Classification Sherloc (09022015). Collection method: clinical testing. Allele origin: germline.
Comment: In summary, the available evidence is currently insufficient to determine the role of this variant in disease. Therefore, it has been classified as a Variant of Uncertain Significance. Algorithms developed to predict the effect of missense changes on protein structure and function are either unavailable or do not agree on the potential impact of this missense change (SIFT: "Deleterious"; PolyPhen-2: "Benign"; Align-GVGD: "Class C0"). This variant has not been reported in the literature in individuals affected with CEP89-related conditions. This variant is present in population databases (rs773013555, gnomAD 0.006%). This sequence change replaces alanine, which is neutral and non-polar, with threonine, which is neutral and polar, at codon 509 of the CEP89 protein (p.Ala509Thr).

NM_032816.5(CEP89):c.1525G>A (p.Ala509Thr)

Gene: CEP89 (centrosomal protein 89; minus strand). Cytogenetic location: 19q13.11.
Variant type: single nucleotide variant.
Coding change: c.1525G>A on transcript NM_032816.5 (MANE Select); coding-DNA position 1525, G replaced by A.
Protein change: p.Ala509Thr; replaces alanine 509 with threonine.
Molecular consequence: missense variant.
Genome position (GRCh38, 1-based): chr19:32,915,377, C>T on the plus strand (G>A on the coding strand, the complement: CEP89 is on the minus strand). VCF-style: chr19-32915377-C-T. GRCh37 (hg19) VCF-style: chr19-33406283-C-T.
Other names: short protein forms A509T.
Identifiers: ClinVar variation 2146899 (VCV002146899.4), dbSNP rs773013555, ClinGen allele CA9359272.